The following is an entry in ClinVar:

ClinVar aggregate classification (germline): Uncertain significance. Review status: criteria provided, multiple submitters, no conflicts (2 of 4 stars). 2 submissions from 2 submitters: Uncertain significance (2). Last evaluated 2024-07-31.

Allele frequency attached by ClinVar (database versions not stated): gnomAD exomes below 0.00001; TOPMed 0.00001; ESP Exome Variant Server 0.00008.

Submissions (2):

Ambry Genetics
Classification: Uncertain significance. Last evaluated: 2024-07-31. Review status: criteria provided, single submitter. Criteria: Ambry Variant Classification Scheme 2023. Collection method: clinical testing. Allele origin: germline.

Labcorp Genetics (formerly Invitae), Labcorp
Classification: Uncertain significance. Last evaluated: 2022-03-26. Review status: criteria provided, single submitter. Criteria: Invitae Variant Classification Sherloc (09022015). Collection method: clinical testing. Allele origin: germline.
Comment: This sequence change replaces glutamine, which is neutral and polar, with glutamic acid, which is acidic and polar, at codon 142 of the ANKZF1 protein (p.Gln142Glu). This variant is not present in population databases (gnomAD no frequency). In summary, the available evidence is currently insufficient to determine the role of this variant in disease. Therefore, it has been classified as a Variant of Uncertain Significance. Algorithms developed to predict the effect of missense changes on protein structure and function output the following: SIFT: "Tolerated"; PolyPhen-2: "Benign"; Align-GVGD: "Class C0". The glutamic acid amino acid residue is found in multiple mammalian species, which suggests that this missense change does not adversely affect protein function. This variant has not been reported in the literature in individuals affected with ANKZF1-related conditions.

NM_018089.3(ANKZF1):c.424C>G (p.Gln142Glu)

Gene: ANKZF1 (ankyrin repeat and zinc finger peptidyl tRNA hydrolase 1; plus strand). Cytogenetic location: 2q35.
Variant type: single nucleotide variant.
Coding change: c.424C>G on transcript NM_018089.3 (MANE Select); coding-DNA position 424, C replaced by G.
Protein change: p.Gln142Glu; replaces glutamine 142 with glutamic acid.
Molecular consequence: missense variant. On other transcripts: 5 prime UTR variant (1).
Genome position (GRCh38, 1-based): chr2:219,232,549, C>G. VCF-style: chr2-219232549-C-G. GRCh37 (hg19) VCF-style: chr2-220097271-C-G.
Other names: c.424C>G (NM_018089.2); c.424C>G, p.Gln142Glu (NM_001042410.2); c.-207C>G (NM_001282792.2); short protein forms Q142E.
Identifiers: ClinVar variation 1945609 (VCV001945609.6), dbSNP rs372463215, ClinGen allele CA65970280.